The following is an entry in ClinVar:

NM_017999.5(RNF31):c.2257A>G (p.Thr753Ala)

Gene: RNF31 (ring finger protein 31; plus strand). Cytogenetic location: 14q12.
Variant type: single nucleotide variant.
Coding change: c.2257A>G on transcript NM_017999.5 (MANE Select); coding-DNA position 2257, A replaced by G.
Protein change: p.Thr753Ala; replaces threonine 753 with alanine.
Molecular consequence: missense variant.
Genome position (GRCh38, 1-based): chr14:24,155,283, A>G. VCF-style: chr14-24155283-A-G. GRCh37 (hg19) VCF-style: chr14-24624492-A-G.
Other names: c.1804A>G, p.Thr602Ala (NM_001310332.2); c.2257A>G (NM_017999.4); short protein forms T602A, T753A.
Identifiers: ClinVar variation 1018050 (VCV001018050.9), dbSNP rs2038325512, ClinGen allele CA389301887.

ClinVar aggregate classification (germline): Uncertain significance. Review status: criteria provided, multiple submitters, no conflicts (2 of 4 stars). 2 submissions from 2 submitters: Uncertain significance (2). Last evaluated 2025-04-10.

Allele frequency attached by ClinVar (database versions not stated): gnomAD exomes 0.00002.

Submissions (2):

Ambry Genetics
Classification: Uncertain significance. Last evaluated: 2025-04-10. Review status: criteria provided, single submitter. Criteria: Ambry Variant Classification Scheme 2023. Collection method: clinical testing. Allele origin: germline.

Labcorp Genetics (formerly Invitae), Labcorp
Classification: Uncertain significance. Last evaluated: 2022-02-24. Review status: criteria provided, single submitter. Criteria: Invitae Variant Classification Sherloc (09022015). Collection method: clinical testing. Allele origin: germline.
Comment: ClinVar contains an entry for this variant (Variation ID: 1018050). This sequence change replaces threonine, which is neutral and polar, with alanine, which is neutral and non-polar, at codon 753 of the RNF31 protein (p.Thr753Ala). This variant is not present in population databases (gnomAD no frequency). This variant has not been reported in the literature in individuals affected with RNF31-related conditions. Algorithms developed to predict the effect of missense changes on protein structure and function (SIFT, PolyPhen-2, Align-GVGD) all suggest that this variant is likely to be tolerated. In summary, the available evidence is currently insufficient to determine the role of this variant in disease. Therefore, it has been classified as a Variant of Uncertain Significance.